The following is an entry in ClinVar:

ClinVar aggregate classification (germline): Uncertain significance (1 of 4 stars; one submission).

Submission:

Ambry Genetics
Classification: Uncertain significance. Last evaluated: 2019-10-18. Review status: criteria provided, single submitter. Criteria: Ambry Variant Classification Scheme 2023. Collection method: clinical testing. Allele origin: germline.
Comment: The c.541+1delG intronic variant, located in intron 2 of the GALNT12 gene, results from a deletion of one nucleotide within intron 2 of the GALNT12 gene. This nucleotide position is highly conserved in available vertebrate species. This alteration is predicted to decrease the efficiency of the native splice donor site by the ESEfinder in silico model; however experimental evidence is not currently available. Alterations that disrupt the canonical splice site are expected to cause aberrant splicing, resulting in an abnormal protein or a transcript that is subject to nonsense-mediated mRNA decay. However, loss of function of GALNT12 has not been clearly established as a mechanism of disease. Since supporting evidence is limited at this time, the clinical significance of this alteration remains unclear.

NM_024642.5(GALNT12):c.541+1del

Gene: GALNT12 (polypeptide N-acetylgalactosaminyltransferase 12; plus strand). Cytogenetic location: 9q22.33.
Variant type: Deletion.
Coding change: c.541+1del on transcript NM_024642.5 (MANE Select); the canonical splice donor site of the intron after coding-DNA position 541, one base deleted (G; older notation c.541+1delG).
Molecular consequence: splice donor variant.
Genome position (GRCh38, 1-based): chr9:98,823,426, G deleted; the last of 2 consecutive G bases (chr9:98,823,425-98,823,426); deleting either gives the same sequence. VCF-style (leftmost placement, unchanged base first): chr9-98823424-AG-A. GRCh37 (hg19) VCF-style: chr9-101585706-AG-A.
Identifiers: ClinVar variation 825711 (VCV000825711.4), dbSNP rs1588444776, ClinGen allele CA915947116.